The following is an entry in ClinVar:

NM_002509.4(NKX2-2):c.121C>T (p.Pro41Ser)

Gene: NKX2-2 (NK2 homeobox 2; minus strand). Cytogenetic location: 20p11.22.
Variant type: single nucleotide variant.
Coding change: c.121C>T on transcript NM_002509.4 (MANE Select); coding-DNA position 121, C replaced by T.
Protein change: p.Pro41Ser; replaces proline 41 with serine.
Molecular consequence: missense variant.
Genome position (GRCh38, 1-based): chr20:21,513,549, G>A on the plus strand (C>T on the coding strand, the complement: NKX2-2 is on the minus strand). VCF-style: chr20-21513549-G-A. GRCh37 (hg19) VCF-style: chr20-21494187-G-A.
Other names: c.121C>T, p.Pro41Ser (NM_001424412.1); short protein forms P41S.
Identifiers: ClinVar variation 3050186 (VCV003050186.4), dbSNP rs34329355, ClinGen allele CA9786339.
Genomic context (GRCh38, chr20:21,513,549, plus strand): 5'-GGGGCAGGCTCTGCACCGCGTCCAGGGCGCCCTGCCCCAGCGGCCCGGCCCTCTTGGCTG[G>A]CTCGGGCCCCTCGTTCTCTTCCTCCGGACCTTCGGCCACAGAGCCCTCCTCATCGTTGGT-3'
Protein context (NP_002500.1, residues 31-51): GPEEENEGPE[Pro41Ser]AKRAGPLGQG

ClinVar aggregate classification (germline): Likely benign. Review status: criteria provided, single submitter (1 of 4 stars). 2 submissions from 2 submitters: Likely benign (1). 1 of the submissions does not count toward it. Last evaluated 2025-10-22.

Conditions:
NKX2-2-related disorder. Also called: NKX2-2-related condition.

Allele frequency attached by ClinVar (database versions not stated): gnomAD exomes 0.00010; 1000 Genomes Project 0.00120; ExAC 0.00043; ESP Exome Variant Server 0.00131; TOPMed 0.00123; 1000 Genomes Project 30x 0.00125.

Submissions (2):

Labcorp Genetics (formerly Invitae), Labcorp
Classification: Likely benign. Last evaluated: 2025-10-22. Review status: criteria provided, single submitter. Criteria: Invitae Variant Classification Sherloc (09022015). Collection method: clinical testing. Allele origin: germline.

PreventionGenetics, part of Exact Sciences
Classification: Likely benign for NKX2-2-related condition. Last evaluated: 2022-04-18. Review status: no assertion criteria provided. Collection method: clinical testing. Allele origin: germline. Not counted in ClinVar's aggregate classification.
Comment: This variant is classified as likely benign based on ACMG/AMP sequence variant interpretation guidelines (Richards et al. 2015 PMID: 25741868, with internal and published modifications).